The following is an entry in ClinVar:

ClinVar aggregate classification (germline): Uncertain significance (1 of 4 stars; one submission).

Allele frequency attached by ClinVar (database versions not stated): gnomAD exomes below 0.00001.
gnomAD v4.1: 1 of 1,566,572 alleles (0.000064%); highest among the groups gnomAD compares: Non-Finnish European, 0.000086%; no homozygotes.

Submission:

Labcorp Genetics (formerly Invitae), Labcorp
Classification: Uncertain significance. Last evaluated: 2022-06-29. Review status: criteria provided, single submitter. Criteria: Invitae Variant Classification Sherloc (09022015). Collection method: clinical testing. Allele origin: germline.
Comment: In summary, the available evidence is currently insufficient to determine the role of this variant in disease. Therefore, it has been classified as a Variant of Uncertain Significance. Algorithms developed to predict the effect of sequence changes on RNA splicing suggest that this variant may disrupt the consensus splice site. This variant has not been reported in the literature in individuals affected with CFD-related conditions. The frequency data for this variant in the population databases is considered unreliable, as metrics indicate poor data quality at this position in the gnomAD database. This sequence change falls in intron 2 of the CFD gene. It does not directly change the encoded amino acid sequence of the CFD protein.

NM_001928.4(CFD):c.213-7T>A

Gene: CFD (complement factor D; plus strand). Cytogenetic location: 19p13.3.
Variant type: single nucleotide variant.
Coding change: c.213-7T>A on transcript NM_001928.4 (MANE Select); 7 bases into the intron before coding-DNA position 213, T replaced by A.
Molecular consequence: intron variant.
Genome position (GRCh38, 1-based): chr19:860,854, T>A. VCF-style: chr19-860854-T-A. GRCh37 (hg19) VCF-style: chr19-860854-T-A.
Other names: c.234-7T>A (NM_001317335.2).
Identifiers: ClinVar variation 1978505 (VCV001978505.4), dbSNP rs1346303573, ClinGen allele CA631295242.
Genomic context (GRCh38, chr19:860,854, plus strand): 5'-GGGGAAGAGCCCGGGTGCGGTGGGGGGAGTCGGCTGGCACCGACCGCGGACTCCGTCCGG[T>A]CCCCAGGGCCGACGGGAAGGTGCAGGTTCTCCTGGGCGCGCACTCCCTGTCGCAGCCGGA-3'